The following is an entry in ClinVar:

NM_006885.4(ZFHX3):c.2461A>G (p.Ile821Val)

Gene: ZFHX3 (zinc finger homeobox 3; minus strand). Cytogenetic location: 16q22.3.
Variant type: single nucleotide variant.
Coding change: c.2461A>G on transcript NM_006885.4 (MANE Select); coding-DNA position 2461, A replaced by G.
Protein change: p.Ile821Val; replaces isoleucine 821 with valine.
Molecular consequence: missense variant. On other transcripts: intron variant (1).
Genome position (GRCh38, 1-based): chr16:72,957,685, T>C on the plus strand (A>G on the coding strand, the complement: ZFHX3 is on the minus strand). VCF-style: chr16-72957685-T-C. GRCh37 (hg19) VCF-style: chr16-72991584-T-C.
Other names: c.2461A>G, p.Ile821Val (NM_001386735.1); c.-23-6720A>G (NM_001164766.2); short protein forms I821V.
Identifiers: ClinVar variation 2247642 (VCV002247642.3), dbSNP rs2507190550, ClinGen allele CA396733272.

ClinVar aggregate classification (germline): Uncertain significance. Review status: criteria provided, multiple submitters, no conflicts (2 of 4 stars). 2 submissions from 2 submitters: Uncertain significance (2). Last evaluated 2023-04-19.

Submissions (2):

GeneDx
Classification: Uncertain significance. Last evaluated: 2023-04-19. Review status: criteria provided, single submitter. Criteria: GeneDx Variant Classification Process June 2021. Collection method: clinical testing. Allele origin: germline. Affected: yes.
Comment: Not observed at significant frequency in large population cohorts (gnomAD); In silico analysis supports that this missense variant does not alter protein structure/function; Has not been previously published as pathogenic or benign to our knowledge; Variants in candidate genes are classified as variants of uncertain significance in accordance with ACMG guidelines (Richards et al., 2015)

Ambry Genetics
Classification: Uncertain significance. Last evaluated: 2021-09-01. Review status: criteria provided, single submitter. Criteria: Ambry Variant Classification Scheme 2023. Collection method: clinical testing. Allele origin: germline.